The following is an entry in ClinVar:

ClinVar aggregate classification (germline): Pathogenic/Likely pathogenic. Review status: criteria provided, multiple submitters, no conflicts (2 of 4 stars). 6 submissions from 6 submitters: Pathogenic (5); Likely pathogenic (1). Last evaluated 2025-03-04.

Conditions:
Hereditary cancer-predisposing syndrome. Also called: Hereditary Cancer Syndrome; Tumor predisposition; Hereditary neoplastic syndrome; Neoplastic Syndromes, Hereditary. Identifiers: Orphanet 140162, MedGen C0027672, MeSH D009386, MONDO:0015356.
Cardiovascular phenotype. Identifiers: MedGen CN230736.
Neurofibromatosis, type 1 (NF1). Also called: Neurofibromatosis, type I; NEUROFIBROMATOSIS, TYPE I, SOMATIC; VON RECKLINGHAUSEN DISEASE; Peripheral type neurofibromatosis. Identifiers: Orphanet 636, MedGen C0027831, MONDO:0018975, OMIM 162200. Disease mechanism: loss of function.

Submissions (6):

Labcorp Genetics (formerly Invitae), Labcorp
Classification: Pathogenic for Neurofibromatosis, type 1. Last evaluated: 2025-03-04. Review status: criteria provided, single submitter. Criteria: Invitae Variant Classification Sherloc (09022015). Collection method: clinical testing. Allele origin: germline.
Comment: This sequence change creates a premature translational stop signal (p.Trp2204*) in the NF1 gene. It is expected to result in an absent or disrupted protein product. Loss-of-function variants in NF1 are known to be pathogenic (PMID: 10712197, 23913538). This variant is not present in population databases (gnomAD no frequency). This premature translational stop signal has been observed in individual(s) with neurofibromatosis type 1 (PMID: 25325900). This variant is also known as p.Trp2225*. ClinVar contains an entry for this variant (Variation ID: 872184). For these reasons, this variant has been classified as Pathogenic.

Ambry Genetics
Classification: Pathogenic for Cardiovascular phenotype; Hereditary cancer-predisposing syndrome. Last evaluated: 2023-06-05. Review status: criteria provided, single submitter. Criteria: Ambry Variant Classification Scheme 2023. Collection method: clinical testing. Allele origin: germline.
Comment: The p.W2204* pathogenic mutation (also known as c.6612G>A), located in coding exon 43 of the NF1 gene, results from a G to A substitution at nucleotide position 6612. This changes the amino acid from a tryptophan to a stop codon within coding exon 43. This alteration is expected to result in loss of function by premature protein truncation or nonsense-mediated mRNA decay. This variant is considered to be rare based on population cohorts in the Genome Aggregation Database (gnomAD). As such, this alteration is interpreted as a disease-causing mutation.

GeneDx
Classification: Pathogenic. Last evaluated: 2023-05-16. Review status: criteria provided, single submitter. Criteria: GeneDx Variant Classification Process June 2021. Collection method: clinical testing. Allele origin: germline. Affected: yes.
Comment: Nonsense variant predicted to result in protein truncation or nonsense mediated decay in a gene for which loss of function is a known mechanism of disease; Not observed at significant frequency in large population cohorts (gnomAD); Also known as c.6675G>A p.Trp2225*; This variant is associated with the following publications: (PMID: 25325900)

Genome-Nilou Lab
Classification: Pathogenic for Neurofibromatosis, type 1. Last evaluated: 2022-03-15. Review status: criteria provided, single submitter. Criteria: ACMG Guidelines, 2015. Collection method: clinical testing. Allele origin: germline. Affected: no.

Genome Diagnostics Laboratory, The Hospital for Sick Children
Classification: Likely pathogenic for Neurofibromatosis, type 1. Last evaluated: 2020-10-26. Review status: criteria provided, single submitter. Criteria: ACMG Guidelines, 2015. Collection method: clinical testing. Allele origin: germline. Affected: yes.

CeGaT Center for Human Genetics Tuebingen
Classification: Pathogenic. Last evaluated: 2020-01-01. Review status: criteria provided, single submitter. Criteria: CeGaT Center For Human Genetics Tuebingen Variant Classification Criteria Version 2. Collection method: clinical testing. Allele origin: germline. Affected: yes. Observed: 1 variant allele.

Literature cited by the submitters: PubMed 10712197 (cited by Labcorp Genetics (formerly Invitae), Labcorp); PubMed 23913538 (cited by Labcorp Genetics (formerly Invitae), Labcorp); PubMed 25325900 (cited by Labcorp Genetics (formerly Invitae), Labcorp).

NM_001042492.3(NF1):c.6675G>A (p.Trp2225Ter)

Gene: NF1 (neurofibromin 1; plus strand). Cytogenetic location: 17q11.2.
Variant type: single nucleotide variant.
Coding change: c.6675G>A on transcript NM_001042492.3 (MANE Select); coding-DNA position 6675, G replaced by A.
Protein change: p.Trp2225Ter; replaces tryptophan 2225 with a stop codon.
Molecular consequence: nonsense.
Genome position (GRCh38, 1-based): chr17:31,337,851, G>A. VCF-style: chr17-31337851-G-A. GRCh37 (hg19) VCF-style: chr17-29664869-G-A.
Other names: c.6612G>A, p.Trp2204Ter (NM_000267.4); short protein forms W2225*, W2204*.
Identifiers: ClinVar variation 872184 (VCV000872184.52), dbSNP rs2069717916, ClinGen allele CA399013832.